The following is an entry in ClinVar:

NM_182931.3(KMT2E):c.556+1G>T

Gene: KMT2E (lysine methyltransferase 2E (inactive); plus strand). Cytogenetic location: 7q22.3.
Variant type: single nucleotide variant.
Coding change: c.556+1G>T on transcript NM_182931.3 (MANE Select); the canonical splice donor site of the intron after coding-DNA position 556, G replaced by T.
Molecular consequence: splice donor variant.
Genome position (GRCh38, 1-based): chr7:105,073,678, G>T. VCF-style: chr7-105073678-G-T. GRCh37 (hg19) VCF-style: chr7-104714125-G-T.
Other names: c.556+1G>T (NM_001410908.1, NM_018682.4).
Identifiers: ClinVar variation 4532051 (VCV004532051.1).

ClinVar aggregate classification (germline): Likely pathogenic (1 of 4 stars; one submission).

Conditions:
O'Donnell-Luria-Rodan syndrome (ODLURO). Also called: KMT2E-Related Neurodevelopmental Disorder. Identifiers: MedGen C5193138, MONDO:0032793, OMIM 618512.

Submission:

Victorian Clinical Genetics Services, Murdoch Childrens Research Institute
Classification: Likely pathogenic for O'Donnell-Luria-Rodan syndrome. Last evaluated: 2025-05-28. Review status: criteria provided, single submitter. Criteria: ACMG Guidelines, 2015. Collection method: clinical testing. Allele origin: germline. Affected: yes.
Comment: This variant is classified as Likely pathogenic. Evidence in support of pathogenic classification: Canonical splice site variant without proven consequence on splicing (no functional evidence available); Variant is absent from gnomAD (v2, v3 and v4); Another canonical splice site variant comparable to the one identified in this case has limited previous evidence for pathogenicity. The c.556+1G>A variant has been classified as pathogenic by a clinical laboratory in ClinVar, and has been reported in the literature in an individual with a neurodevelopmental disorder (PMID: 31079897); Abnormal splicing is predicted by in silico tool and affected nucleotide is highly conserved. Additional information: This variant is heterozygous; This gene is associated with autosomal dominant disease; Alternative nucleotide change(s) at the same canonical splice site, are present in gnomAD (highest allele count: v4: 1 heterozygote, 0 homozygote(s)); This variant has no previous evidence of pathogenicity; No published segregation evidence has been identified for this variant; No published functional evidence has been identified for this variant; Loss of function is a known mechanism of disease in this gene and is associated with O'Donnell-Luria-Rodan syndrome (MIM#618512); Variants in this gene are known to have variable expressivity (OMIM).

Literature cited by the submitters: PubMed 31079897.